The following is an entry in ClinVar:

NM_001206927.2(DNAH8):c.9979A>C (p.Thr3327Pro)

Genes: DNAH8 (dynein axonemal heavy chain 8; plus strand), DNAH8-AS1 (DNAH8 antisense RNA 1; minus strand). Cytogenetic location: 6p21.2.
Variant type: single nucleotide variant.
Coding change: c.9979A>C on transcript NM_001206927.2 (MANE Select); coding-DNA position 9979, A replaced by C.
Protein change: p.Thr3327Pro; replaces threonine 3327 with proline.
Molecular consequence: missense variant.
Genome position (GRCh38, 1-based): chr6:38,915,216, A>C. VCF-style: chr6-38915216-A-C. GRCh37 (hg19) VCF-style: chr6-38882992-A-C.
Other names: c.9328A>C, p.Thr3110Pro (NM_001371.4); short protein forms T3110P, T3327P.
Identifiers: ClinVar variation 4690376 (VCV004690376.1).
Genomic context (GRCh38, chr6:38,915,216, plus strand): 5'-TTGAAAGGTTTCTATTGGCTTTCATGTGTTTCCTCAACTTAACAGGTATTAGCAGAAGTC[A>C]CAGTAAGCGCTCAGGCTTCAGCCAAAATTAAAAATGAAGTACAGGAGGTAAAGGACAAAG-3'
Protein context (NP_001193856.1, residues 3317-3337): IKADEVLAEV[Thr3327Pro]VSAQASAKIK

ClinVar aggregate classification (germline): Uncertain significance (1 of 4 stars; one submission).

Conditions:
Primary ciliary dyskinesia. Also called: Ciliary dyskinesia. Identifiers: Orphanet 244, MedGen C0008780, MONDO:0016575, HP:0012265.

gnomAD v4.1: 5 of 1,600,896 alleles (0.00031%); highest among the groups gnomAD compares: Non-Finnish European, 0.00043%; no homozygotes.

Submission:

Labcorp Genetics (formerly Invitae), Labcorp
Classification: Uncertain significance for Primary ciliary dyskinesia. Last evaluated: 2026-01-14. Review status: criteria provided, single submitter. Criteria: Invitae Variant Classification Sherloc (09022015). Collection method: clinical testing. Allele origin: germline.
Comment: This sequence change replaces threonine, which is neutral and polar, with proline, which is neutral and non-polar, at codon 3327 of the DNAH8 protein (p.Thr3327Pro). This variant is present in population databases (no rsID available, gnomAD 0.0009%). This variant has not been reported in the literature in individuals affected with DNAH8-related conditions. Invitae Evidence Modeling of protein sequence and biophysical properties (such as structural, functional, and spatial information, amino acid conservation, physicochemical variation, residue mobility, and thermodynamic stability) indicates that this missense variant is expected to disrupt DNAH8 protein function with a positive predictive value of 80%. In summary, the available evidence is currently insufficient to determine the role of this variant in disease. Therefore, it has been classified as a Variant of Uncertain Significance.